The following is an entry in ClinVar:

NM_001369.3(DNAH5):c.6575A>G (p.Lys2192Arg)

Gene: DNAH5 (dynein axonemal heavy chain 5; minus strand). Cytogenetic location: 5p15.2.
Variant type: single nucleotide variant.
Coding change: c.6575A>G on transcript NM_001369.3 (MANE Select); coding-DNA position 6575, A replaced by G.
Protein change: p.Lys2192Arg; replaces lysine 2192 with arginine.
Molecular consequence: missense variant.
Genome position (GRCh38, 1-based): chr5:13,824,203, T>C on the plus strand (A>G on the coding strand, the complement: DNAH5 is on the minus strand). VCF-style: chr5-13824203-T-C. GRCh37 (hg19) VCF-style: chr5-13824312-T-C.
Other names: short protein forms K2192R.
Identifiers: ClinVar variation 1445307 (VCV001445307.6), dbSNP rs1004296804, ClinGen allele CA113931095.

ClinVar aggregate classification (germline): Uncertain significance (1 of 4 stars; one submission).

Conditions:
Primary ciliary dyskinesia. Also called: Ciliary dyskinesia. Identifiers: Orphanet 244, MedGen C0008780, MONDO:0016575, HP:0012265.

Allele frequency attached by ClinVar (database versions not stated): gnomAD exomes below 0.00001 and 0.00001; TOPMed below 0.00001; gnomAD 0.00001.
gnomAD v4.1: 10 of 1,613,848 alleles (0.00062%); highest among the groups gnomAD compares: Non-Finnish European, 0.00076%; no homozygotes.

Submission:

Labcorp Genetics (formerly Invitae), Labcorp
Classification: Uncertain significance for Primary ciliary dyskinesia. Last evaluated: 2025-01-13. Review status: criteria provided, single submitter. Criteria: Invitae Variant Classification Sherloc (09022015). Collection method: clinical testing. Allele origin: germline.
Comment: This sequence change replaces lysine, which is basic and polar, with arginine, which is basic and polar, at codon 2192 of the DNAH5 protein (p.Lys2192Arg). This variant is present in population databases (no rsID available, gnomAD no frequency). This variant has not been reported in the literature in individuals affected with DNAH5-related conditions. ClinVar contains an entry for this variant (Variation ID: 1445307). Invitae Evidence Modeling of protein sequence and biophysical properties (such as structural, functional, and spatial information, amino acid conservation, physicochemical variation, residue mobility, and thermodynamic stability) indicates that this missense variant is not expected to disrupt DNAH5 protein function with a negative predictive value of 95%. In summary, the available evidence is currently insufficient to determine the role of this variant in disease. Therefore, it has been classified as a Variant of Uncertain Significance.